The following is an entry in ClinVar:

ClinVar aggregate classification (germline): Likely benign (1 of 4 stars; one submission).

Allele frequency attached by ClinVar (database versions not stated): ExAC 0.00002; TOPMed 0.00004; gnomAD 0.00006.
gnomAD v4.1: 71 of 1,613,770 alleles (0.0044%); highest among the groups gnomAD compares: Non-Finnish European, 0.0058%; no homozygotes.

Submission:

CeGaT Center for Human Genetics Tuebingen
Classification: Likely benign. Last evaluated: 2022-06-01. Review status: criteria provided, single submitter. Criteria: CeGaT Center For Human Genetics Tuebingen Variant Classification Criteria Version 2. Collection method: clinical testing. Allele origin: germline. Affected: yes. Observed: 1 variant allele.
Comment: PCDHGA9: BP4, BP7

NM_018921.3(PCDHGA9):c.315C>T (p.Asn105=)

Genes: PCDHG@ (protocadherin gamma cluster; plus strand), PCDHGA1 (protocadherin gamma subfamily A, 1; plus strand), PCDHGA2 (protocadherin gamma subfamily A, 2; plus strand), PCDHGA3 (protocadherin gamma subfamily A, 3; plus strand), PCDHGA4 (protocadherin gamma subfamily A, 4; plus strand) and 10 more. Cytogenetic location: 5q31.3.
Variant type: single nucleotide variant.
Coding change: c.315C>T on transcript NM_018921.3 (MANE Select); coding-DNA position 315, C replaced by T.
Protein change: p.Asn105=; no amino-acid change (asparagine 105 retained).
Molecular consequence: synonymous variant. On other transcripts: intron variant (13).
Genome position (GRCh38, 1-based): chr5:141,403,267, C>T. VCF-style: chr5-141403267-C-T. GRCh37 (hg19) VCF-style: chr5-140782834-C-T.
Other names: c.315C>T, p.Asn105= (NM_032089.2); c.2421+70162C>T (NM_018912.3); c.2424+61872C>T (NM_018915.4); c.2424+56810C>T (NM_018916.4); c.2409+50598C>T (NM_018922.3); c.2514+45646C>T (NM_018917.4); c.2421+40711C>T (NM_018923.3); c.2421+36516C>T (NM_018918.3); and 6 more.
Identifiers: ClinVar variation 2655856 (VCV002655856.24), dbSNP rs767670942, ClinGen allele CA3473928.